The following is an entry in ClinVar:

ClinVar aggregate classification (germline): Uncertain significance (1 of 4 stars; one submission).

Conditions:
Alpha thalassemia-X-linked intellectual disability syndrome (ATRX). Also called: ALPHA-THALASSEMIA/MENTAL RETARDATION SYNDROME, X-LINKED; ATR, NONDELETION TYPE; ATR-X syndrome; Alpha thalassemia mental retardation syndrome, nondeletion type, X-linked; XLMR hypotonic face syndrome; X-linked alpha-thalassemia-mental retardation syndrome. Identifiers: Orphanet 847, MedGen C1845055, MONDO:0010519, OMIM 301040.

Submission:

Labcorp Genetics (formerly Invitae), Labcorp
Classification: Uncertain significance for Alpha thalassemia-X-linked intellectual disability syndrome. Last evaluated: 2024-12-07. Review status: criteria provided, single submitter. Criteria: Invitae Variant Classification Sherloc (09022015). Collection method: clinical testing. Allele origin: germline.
Comment: This sequence change replaces threonine, which is neutral and polar, with asparagine, which is neutral and polar, at codon 552 of the ATRX protein (p.Thr552Asn). This variant is not present in population databases (gnomAD no frequency). This variant has not been reported in the literature in individuals affected with ATRX-related conditions. Invitae Evidence Modeling of protein sequence and biophysical properties (such as structural, functional, and spatial information, amino acid conservation, physicochemical variation, residue mobility, and thermodynamic stability) indicates that this missense variant is not expected to disrupt ATRX protein function with a negative predictive value of 95%. In summary, the available evidence is currently insufficient to determine the role of this variant in disease. Therefore, it has been classified as a Variant of Uncertain Significance.

NM_000489.6(ATRX):c.1655C>A (p.Thr552Asn)

Gene: ATRX (ATRX chromatin remodeler; minus strand). Cytogenetic location: Xq21.1.
Variant type: single nucleotide variant.
Coding change: c.1655C>A on transcript NM_000489.6 (MANE Select); coding-DNA position 1655, C replaced by A.
Protein change: p.Thr552Asn; replaces threonine 552 with asparagine.
Molecular consequence: missense variant.
Genome position (GRCh38, 1-based): chrX:77,683,601, G>T on the plus strand (C>A on the coding strand, the complement: ATRX is on the minus strand). VCF-style: chrX-77683601-G-T. GRCh37 (hg19) VCF-style: chrX-76939093-G-T.
Other names: c.1541C>A, p.Thr514Asn (NM_138270.5); short protein forms T514N, T552N.
Identifiers: ClinVar variation 3634999 (VCV003634999.2).
Genomic context (GRCh38, chrX:77,683,601, plus strand): 5'-CCTCTGTTGTCTTTTGAAGAAATATTTAATTTTACAGATGAACTCTCCACTTCTTGTTCA[G>T]TTCCACTGCTGCCATCCCCTTGATGATCAACTGAACTCTGAACTTCCATAGCAGTCTCAA-3'
Protein context (NP_000480.3, residues 542-562): VDHQGDGSSG[Thr552Asn]EQEVESSSVK